The following is an entry in ClinVar:

ClinVar aggregate classification (germline): Conflicting classifications of pathogenicity. Review status: criteria provided, conflicting classifications (1 of 4 stars). 10 submissions from 10 submitters: Uncertain significance (6); Likely benign (4). Last evaluated 2026-01-03.

Conditions:
Cardiovascular phenotype. Identifiers: MedGen CN230736.
Cardiomyopathy (CMYO). Also called: Cardiomyopathies. Identifiers: Orphanet 167848, MedGen C0878544, MONDO:0004994, HP:0001638. Inheritance: Various modes of inheritance.
Dilated cardiomyopathy 1DD (CMD1DD). Identifiers: Orphanet 154, MedGen C2750995, MONDO:0013168, OMIM 613172.

Allele frequency attached by ClinVar (database versions not stated): gnomAD 0.00007; gnomAD exomes 0.00007; TOPMed 0.00010; ESP Exome Variant Server 0.00022.
gnomAD v4.1: 204 of 1,551,568 alleles (0.013%); highest among the groups gnomAD compares: Non-Finnish European, 0.017%; no homozygotes.

Submissions (10):

Labcorp Genetics (formerly Invitae), Labcorp
Classification: Likely benign for Dilated cardiomyopathy 1DD. Last evaluated: 2026-01-03. Review status: criteria provided, single submitter. Criteria: Invitae Variant Classification Sherloc (09022015). Collection method: clinical testing. Allele origin: germline.

Dasa
Classification: Uncertain significance. Last evaluated: 2025-06-30. Review status: criteria provided, single submitter. Criteria: DASA Assertion Criteria. Collection method: clinical testing. Allele origin: germline.
Comment: NM_001134363.3(RBM20):c.2116C>A (p.Pro706Thr) is a missense variant that results in the substitution of proline with threonine. This variant is rare in population databases. Computational prediction algorithms are consistent with a benign effect. The currently available literature and clinical evidence are not sufficient to establish a definitive association between this variant and the reported condition. Therefore, this variant is classified as a variant of uncertain significance.

Mayo Clinic Laboratories, Mayo Clinic
Classification: Uncertain significance. Last evaluated: 2024-08-22. Review status: criteria provided, single submitter. Criteria: ACMG Guidelines, 2015. Collection method: clinical testing. Allele origin: germline. Observed: 1 variant allele.
Comment: BP4

GeneDx
Classification: Uncertain significance. Last evaluated: 2023-12-26. Review status: criteria provided, single submitter. Criteria: GeneDx Variant Classification Process June 2021. Collection method: clinical testing. Allele origin: germline. Affected: yes.
Comment: In silico analysis supports that this missense variant does not alter protein structure/function; Has not been previously published as pathogenic or benign to our knowledge

Ambry Genetics
Classification: Likely benign for Cardiovascular phenotype. Last evaluated: 2023-05-25. Review status: criteria provided, single submitter. Criteria: Ambry Variant Classification Scheme 2023. Collection method: clinical testing. Allele origin: germline.

Victorian Clinical Genetics Services, Murdoch Childrens Research Institute
Classification: Uncertain significance for Dilated cardiomyopathy 1DD. Last evaluated: 2022-02-02. Review status: criteria provided, single submitter. Criteria: ACMG Guidelines, 2015. Collection method: clinical testing. Allele origin: germline. Inheritance: Autosomal dominant inheritance. Affected: yes.
Comment: Based on the classification scheme VCGS_Germline_v1.3.4, this variant is classified as VUS-3C. Following criteria are met: 0102 - Loss of function is a known mechanism of disease in this gene and is associated with dilated cardiomyopathy, 1DD (MIM#613172) (OMIM). (I) 0107 - This gene is associated with autosomal dominant disease. (I) 0200 - Variant is predicted to result in a missense amino acid change from proline to threonine. (I) 0251 - This variant is heterozygous. (I) 0302 - Variant is present in gnomAD (v2) <0.001 for a dominant condition (13 heterozygotes, 0 homozygotes). (SP) 0309 - An alternative amino acid change at the same position has been observed in gnomAD (v3) (1 heterozygote, 0 homozygotes). (I) 0503 - Missense variant consistently predicted to be tolerated by multiple in silico tools or not conserved in placental mammals with a minor amino acid change. (SB) 0604 - Variant is not located in an established domain, motif, hotspot or informative constraint region. (I) 0705 - No comparable missense variants have previous evidence for pathogenicity. (I) 0808 - Previous reports of pathogenicity for this variant are conflicting. This variant has been reported in a family with DCM, although this variant was shown not to segregate with disease in this family (PMID: 29892087). This variant has also been reported as a VUS and likely benign in ClinVar and Global Variome shared LOVD. (I) 1007 - No published functional evidence has been identified for this variant. (I) 1208 - Inheritance information for this variant is not currently available in this individual. (I) Legend: (SP) - Supporting pathogenic, (I) - Information, (SB) - Supporting benign

Clinical Genomics Laboratory, Stanford Medicine
Classification: Uncertain significance for Dilated cardiomyopathy 1DD. Last evaluated: 2021-06-07. Review status: criteria provided, single submitter. Criteria: ACMG Guidelines, 2015. Collection method: clinical testing. Allele origin: germline. Affected: yes. Observed: 1 heterozygote.
Comment: The p.Pro706Thr variant in the RBM20 gene has not been previously reported in association with disease. This variant has been identified in 13/186,024 chromosomes by the Genome Aggregation Database. Although this variant has been seen in the general population, it has not been observed at a frequency high enough to rule out pathogenicity. The proline at position 706 is not evolutionarily conserved and several mammalian species have a threonine at this position. Computational tools predict that the p.Pro706Thr does not impact protein function; however, the accuracy of in silico algorithms is limited. These data were assessed using the ACMG/AMP variant interpretation guidelines. In summary, the significance of the p.Pro706Thr variant is uncertain. Additional information is needed to resolve the significance of this variant. [ACMG evidence codes used: BP4]

Blueprint Genetics
Classification: Likely benign. Last evaluated: 2020-12-20. Review status: criteria provided, single submitter. Criteria: ACMG Guidelines, 2015. Collection method: clinical testing. Allele origin: germline.

CHEO Genetics Diagnostic Laboratory, Children's Hospital of Eastern Ontario
Classification: Uncertain significance for Cardiomyopathy. Last evaluated: 2017-10-30. Review status: criteria provided, single submitter. Criteria: ACMG Guidelines, 2015. Collection method: clinical testing. Allele origin: germline. Study: Canadian Open Genetics Repository.

Laboratory for Molecular Medicine, Mass General Brigham Personalized Medicine
Classification: Likely benign. Last evaluated: 2015-05-01. Review status: criteria provided, single submitter. Criteria: LMM Criteria. Collection method: clinical testing. Allele origin: germline. Observed: 1 variant allele.
Comment: p.Pro706Thr in exon 9 of RBM20: This variant is not expected to have clinical si gnificance due to a lack of conservation across species, including mammals. Of n ote, >20 mammals have a threonine (Thr) at this position despite high nearby ami no acid conservation. In addition, computational prediction tools do not suggest a high likelihood of impact to the protein. It has also been identified in 1/31 82 European American chromosomes by the NHLBI Exome Sequencing Project (dbSNP rs373797219).

Literature cited by the submitters: PubMed 25351510 (cited by Ambry Genetics); PubMed 29892087 (cited by Ambry Genetics and Victorian Clinical Genetics Services, Murdoch Childrens Research Institute); PubMed 31983221 (cited by Ambry Genetics).

NM_001134363.3(RBM20):c.2116C>A (p.Pro706Thr)

Gene: RBM20 (RNA binding motif protein 20; plus strand). Cytogenetic location: 10q25.2.
Variant type: single nucleotide variant.
Coding change: c.2116C>A on transcript NM_001134363.3 (MANE Select); coding-DNA position 2116, C replaced by A.
Protein change: p.Pro706Thr; replaces proline 706 with threonine.
Molecular consequence: missense variant.
Genome position (GRCh38, 1-based): chr10:110,812,513, C>A. VCF-style: chr10-110812513-C-A. GRCh37 (hg19) VCF-style: chr10-112572271-C-A.
Other names: p.P706T:CCC>ACC; short protein forms P706T.
Identifiers: ClinVar variation 202046 (VCV000202046.29), dbSNP rs373797219, ClinGen allele CA335516.